The following is an entry in ClinVar:

NM_012318.3(LETM1):c.1520C>T (p.Pro507Leu)

Gene: LETM1 (leucine zipper and EF-hand containing transmembrane protein 1; minus strand). Cytogenetic location: 4p16.3.
Variant type: single nucleotide variant.
Coding change: c.1520C>T on transcript NM_012318.3 (MANE Select); coding-DNA position 1520, C replaced by T.
Protein change: p.Pro507Leu; replaces proline 507 with leucine.
Molecular consequence: missense variant.
Genome position (GRCh38, 1-based): chr4:1,822,269, G>A on the plus strand (C>T on the coding strand, the complement: LETM1 is on the minus strand). VCF-style: chr4-1822269-G-A. GRCh37 (hg19) VCF-style: chr4-1823996-G-A.
Other names: short protein forms P507L.
Identifiers: ClinVar variation 2085901 (VCV002085901.4), dbSNP rs200072915, ClinGen allele CA91268117.

ClinVar aggregate classification (germline): Uncertain significance (1 of 4 stars; one submission).

Allele frequency attached by ClinVar (database versions not stated): gnomAD exomes below 0.00001; gnomAD 0.00001; TOPMed 0.00001.
gnomAD v4.1: 8 of 1,539,376 alleles (0.00052%); highest among the groups gnomAD compares: South Asian, 0.0024%; no homozygotes.

Submission:

Labcorp Genetics (formerly Invitae), Labcorp
Classification: Uncertain significance. Last evaluated: 2022-06-17. Review status: criteria provided, single submitter. Criteria: Invitae Variant Classification Sherloc (09022015). Collection method: clinical testing. Allele origin: germline.
Comment: In summary, the available evidence is currently insufficient to determine the role of this variant in disease. Therefore, it has been classified as a Variant of Uncertain Significance. Algorithms developed to predict the effect of missense changes on protein structure and function output the following: SIFT: "Tolerated"; PolyPhen-2: "Benign"; Align-GVGD: "Class C0". The leucine amino acid residue is found in multiple mammalian species, which suggests that this missense change does not adversely affect protein function. This variant has not been reported in the literature in individuals affected with LETM1-related conditions. The frequency data for this variant in the population databases is considered unreliable, as metrics indicate poor data quality at this position in the gnomAD database. This sequence change replaces proline, which is neutral and non-polar, with leucine, which is neutral and non-polar, at codon 507 of the LETM1 protein (p.Pro507Leu).